The following is an entry in ClinVar:

ClinVar aggregate classification (germline): Uncertain significance. Review status: criteria provided, single submitter (1 of 4 stars). 2 submissions from 2 submitters: Uncertain significance (1). 1 of the submissions does not count toward it. Last evaluated 2023-06-21.

Conditions:
Feingold syndrome type 1 (FGLDS1). Also called: OCULODIGITOESOPHAGODUODENAL SYNDROME; ODED SYNDROME; MICROCEPHALY AND DIGITAL ABNORMALITIES WITH NORMAL INTELLIGENCE; MICROCEPHALY, MENTAL RETARDATION, AND TRACHEOESOPHAGEAL FISTULA SYNDROME; MICROCEPHALY-OCULO-DIGITO-ESOPHAGEAL-DUODENAL SYNDROME. Identifiers: Orphanet 1305, Orphanet 391641, MedGen C4551774, MONDO:0008115, OMIM 164280.

Allele frequency attached by ClinVar (database versions not stated): gnomAD exomes below 0.00001; TOPMed 0.00001.
gnomAD v4.1: 3 of 1,614,044 alleles (0.00019%); highest among the groups gnomAD compares: Non-Finnish European, 0.00025%; no homozygotes.

Submissions (2):

GeneDx
Classification: Uncertain significance. Last evaluated: 2023-06-21. Review status: criteria provided, single submitter. Criteria: GeneDx Variant Classification Process June 2021. Collection method: clinical testing. Allele origin: germline. Affected: yes.
Comment: Not observed at significant frequency in large population cohorts (gnomAD); In silico analysis supports that this missense variant has a deleterious effect on protein structure/function; This variant is associated with the following publications: (PMID: 28423360, 26147798, 32925198, 18671284)

OMIM
Classification: Pathogenic for FEINGOLD SYNDROME 1. Last evaluated: 2008-09-01. Review status: no assertion criteria provided. Collection method: literature only. Allele origin: germline. Not counted in ClinVar's aggregate classification.

Literature cited by the submitters: PubMed 18671284 (cited by OMIM).

NM_005378.6(MYCN):c.1145G>A (p.Arg382His)

Gene: MYCN (MYCN proto-oncogene, bHLH transcription factor; plus strand). Cytogenetic location: 2p24.3.
Variant type: single nucleotide variant.
Coding change: c.1145G>A on transcript NM_005378.6 (MANE Select); coding-DNA position 1145, G replaced by A.
Protein change: p.Arg382His; replaces arginine 382 with histidine.
Molecular consequence: missense variant. On other transcripts: 3 prime UTR variant (1).
Genome position (GRCh38, 1-based): chr2:15,945,847, G>A. VCF-style: chr2-15945847-G-A. GRCh37 (hg19) VCF-style: chr2-16085969-G-A.
Other names: c.1145G>A (NM_005378.4); c.1145G>A, p.Arg382His (NM_001293228.2); c.512G>A, p.Arg171His (NM_001293231.2); c.*1080G>A (NM_001293233.2); short protein forms R382H, R171H.
Identifiers: ClinVar variation 13898 (VCV000013898.3), dbSNP rs121913666, ClinGen allele CA257017.